The following is an entry in ClinVar:

NM_001369.3(DNAH5):c.11571-1G>A

Gene: DNAH5 (dynein axonemal heavy chain 5; minus strand). Cytogenetic location: 5p15.2.
Variant type: single nucleotide variant.
Coding change: c.11571-1G>A on transcript NM_001369.3 (MANE Select); the canonical splice acceptor site of the intron before coding-DNA position 11571, G replaced by A.
Molecular consequence: splice acceptor variant.
Genome position (GRCh38, 1-based): chr5:13,735,322, C>T on the plus strand (G>A on the coding strand, the complement: DNAH5 is on the minus strand). VCF-style: chr5-13735322-C-T. GRCh37 (hg19) VCF-style: chr5-13735431-C-T.
Other names: c.11571-1G>A (NM_001369.2).
Identifiers: ClinVar variation 1344886 (VCV001344886.12), dbSNP rs1481337703, ClinGen allele CA359223783.

ClinVar aggregate classification (germline): Pathogenic. Review status: criteria provided, multiple submitters, no conflicts (2 of 4 stars). 3 submissions from 3 submitters: Pathogenic (3). Last evaluated 2024-12-04.

Conditions:
Primary ciliary dyskinesia 3. Identifiers: Orphanet 244, MedGen C1837618, MONDO:0012085, OMIM 608644.
Primary ciliary dyskinesia. Also called: Ciliary dyskinesia. Identifiers: Orphanet 244, MedGen C0008780, MONDO:0016575, HP:0012265.

gnomAD v4.1: 1 of 1,613,728 alleles (0.000062%); highest among the groups gnomAD compares: Non-Finnish European, 0.000085%; no homozygotes.

Submissions (3):

Labcorp Genetics (formerly Invitae), Labcorp
Classification: Pathogenic for Primary ciliary dyskinesia. Last evaluated: 2024-12-04. Review status: criteria provided, single submitter. Criteria: Invitae Variant Classification Sherloc (09022015). Collection method: clinical testing. Allele origin: germline.
Comment: This sequence change affects an acceptor splice site in intron 67 of the DNAH5 gene. It is expected to disrupt RNA splicing. Variants that disrupt the donor or acceptor splice site typically lead to a loss of protein function (PMID: 16199547), and loss-of-function variants in DNAH5 are known to be pathogenic (PMID: 11788826, 16627867). This variant is not present in population databases (gnomAD no frequency). Disruption of this splice site has been observed in individual(s) with primary ciliary dyskinesia (PMID: 24498942). ClinVar contains an entry for this variant (Variation ID: 1344886). Algorithms developed to predict the effect of sequence changes on RNA splicing suggest that this variant may disrupt the consensus splice site. For these reasons, this variant has been classified as Pathogenic.

Natera, Inc.
Classification: Pathogenic for Primary ciliary dyskinesia. Last evaluated: 2024-04-16. Review status: criteria provided, single submitter. Criteria: Natera Variant Classification Schema (03/2026). Collection method: clinical testing. Allele origin: germline.
Comment: The c.11571-1G>A variant in DNAH5 is a canonical splice acceptor site variant predicted to affect pre-mRNA splicing, which may result in an abnormal transcript and altered protein product. This variant is expected to result in nonsense mediated decay, truncation, or a dysfunctional protein product. This variant is rare in the general population with a frequency below the threshold expected for the associated phenotype(s). This variant has been observed in one or more individuals affected with the associated recessive disease, as either homozygous or compound heterozygous with a second variant (PMID: 24498942). Given the available evidence, this variant is classified as Pathogenic.

Dasa
Classification: Pathogenic for Primary ciliary dyskinesia 3. Last evaluated: 2022-03-05. Review status: criteria provided, single submitter. Criteria: ACMG Guidelines, 2015. Collection method: clinical testing. Allele origin: germline. Affected: yes. Observed: 1 variant allele.
Comment: The c.11571-1G>A variant is located in a canonical splice-site, and it is predicted to alter gene function due to either exon skipping or nonsense-mediate decay – NMD, and the variant is present in a relevant exon to the transcript - PVS1. This sequence change has been observed in affected individual(s) and ClinVar contains an entry for this variant (PMID: 24498942) - PS4_supporting. This variant is not present in population databases (rs1481337703- gnomAD; ABraOM no frequency) - PM2. The c.11571-1G>A was detected in trans with a pathogenic variant (PMID: 24498942) - PM3. In summary, the currently available evidence indicates that the variant is pathogenic.

Literature cited by the submitters: PubMed 16199547 (cited by Labcorp Genetics (formerly Invitae), Labcorp); PubMed 11788826 (cited by Labcorp Genetics (formerly Invitae), Labcorp); PubMed 16627867 (cited by Labcorp Genetics (formerly Invitae), Labcorp); PubMed 24498942 (cited by 3 submitters).